The following is an entry in ClinVar:

NM_031448.6(C19orf12):c.161G>A (p.Gly54Glu)

Gene: C19orf12 (chromosome 19 open reading frame 12; minus strand). Cytogenetic location: 19q12.
Variant type: single nucleotide variant.
Coding change: c.161G>A on transcript NM_031448.6 (MANE Select); coding-DNA position 161, G replaced by A.
Protein change: p.Gly54Glu; replaces glycine 54 with glutamic acid.
Molecular consequence: missense variant. On other transcripts: 5 prime UTR variant (3).
Genome position (GRCh38, 1-based): chr19:29,702,977, C>T on the plus strand (G>A on the coding strand, the complement: C19orf12 is on the minus strand). VCF-style: chr19-29702977-C-T. GRCh37 (hg19) VCF-style: chr19-30193884-C-T.
Other names: c.161G>A (NM_001256047.1); c.161G>A, p.Gly54Glu (NM_001031726.4, NM_001256046.3, NM_001256047.2); c.-32G>A (NM_001282929.1, NM_001282930.3, NM_001282931.3); short protein forms G54E, G65E.
Identifiers: ClinVar variation 617481 (VCV000617481.22), dbSNP rs752450983, ClinGen allele CA9351931.

ClinVar aggregate classification (germline): Pathogenic/Likely pathogenic. Review status: criteria provided, multiple submitters, no conflicts (2 of 4 stars). 7 submissions from 7 submitters: Pathogenic (5); Likely pathogenic (1). 1 of the submissions does not count toward it. Last evaluated 2025-10-17.

Conditions:
Hereditary spastic paraplegia 43. Also called: Spastic paraplegia 43, autosomal recessive. Identifiers: Orphanet 320370, MedGen C2680446, MONDO:0014024, OMIM 615043.
Neurodegeneration with brain iron accumulation (NBIA). Identifiers: Orphanet 385, MedGen C2931845, MONDO:0018307.
C19ORF12-related disorders.
Neurodegeneration with brain iron accumulation 4 (NBIA4). Also called: MITOCHONDRIAL PROTEIN-ASSOCIATED NEURODEGENERATION. Identifiers: Orphanet 289560, MedGen C3280371, MONDO:0013674, OMIM 614298. Disease mechanism: loss of function.

gnomAD v4.1: 33 of 1,614,008 alleles (0.002%); highest among the groups gnomAD compares: South Asian, 0.0055%; no homozygotes.

Submissions (7):

Labcorp Genetics (formerly Invitae), Labcorp
Classification: Pathogenic for Hereditary spastic paraplegia 43. Last evaluated: 2025-10-17. Review status: criteria provided, single submitter. Criteria: Invitae Variant Classification Sherloc (09022015). Collection method: clinical testing. Allele origin: germline.
Comment: This sequence change replaces glycine, which is neutral and non-polar, with glutamic acid, which is acidic and polar, at codon 65 of the C19orf12 protein (p.Gly65Glu). This variant is present in population databases (rs752450983, gnomAD 0.003%). This missense change has been observed in individual(s) with neurodegeneration with brain iron accumulation (NBIA) (PMID: 21981780, 23269600, 31087512). In at least one individual the data is consistent with being in trans (on the opposite chromosome) from a pathogenic variant. ClinVar contains an entry for this variant (Variation ID: 617481). An algorithm developed to predict the effect of missense changes on protein structure and function (PolyPhen-2) suggests that this variant is likely to be disruptive. For these reasons, this variant has been classified as Pathogenic.

Women's Health and Genetics/Laboratory Corporation of America, LabCorp
Classification: Pathogenic for Neurodegeneration with brain iron accumulation. Last evaluated: 2023-03-20. Review status: criteria provided, single submitter. Criteria: LabCorp Variant Classification Summary - May 2015. Collection method: clinical testing. Allele origin: germline.
Comment: Variant summary: C19orf12 c.161G>A/p.Gly54Glu (legacy name: c.194G>A/p.Gly65Glu) results in a non-conservative amino acid change in the encoded protein sequence. Five of five in-silico tools predict a damaging effect of the variant on protein function. In addition the variant is located to the first nucleotide of exon 3, and therefore can affect splicing. Several computational tools predict a significant impact on normal splicing: four predict the variant mildly weakens a 3' acceptor site, while one predicts the variant creates a novel 3' acceptor site, two nucleotides downstream from the original splice-site. However, these predictions have yet to be confirmed by functional studies. The variant allele was found at a frequency of 1.2e-05 in 249090 control chromosomes (gnomAD). c.161G>A has been reported in the literature in multiple homozygous and compound heterozygous individuals affected with Neurodegeneration with Brain Iron Accumulation (or with symptoms consistent with this disease phenotype) (e.g. Hartig_2011, Gregory_2019, Akcakaya_2019, Wan_2021). These data indicate that the variant is very likely to be associated with disease. To our knowledge, no experimental evidence demonstrating an impact on protein function has been reported. Four clinical diagnostic laboratories have submitted clinical-significance assessments for this variant to ClinVar after 2014 without evidence for independent evaluation. All laboratories classified the variant as pathogenic (n=3) / likely pathogenic (n=1). Based on the evidence outlined above, the variant was classified as pathogenic.

GeneDx
Classification: Likely pathogenic. Last evaluated: 2020-09-16. Review status: criteria provided, single submitter. Criteria: GeneDx Variant Classification Process June 2021. Collection method: clinical testing. Allele origin: germline. Affected: yes.
Comment: Not observed at a significant frequency in large population cohorts (Lek et al., 2016); In silico analysis, which includes protein predictors and evolutionary conservation, supports a deleterious effect; This variant is associated with the following publications: (PMID: 23269600, 31087512, 21981780, 24098554, 26136767, 22584950, 31804703)

Victorian Clinical Genetics Services, Murdoch Childrens Research Institute
Classification: Pathogenic for Neurodegeneration with brain iron accumulation 4. Last evaluated: 2020-05-21. Review status: criteria provided, single submitter. Criteria: ACMG Guidelines, 2015. Collection method: clinical testing. Allele origin: germline. Inheritance: Autosomal dominant inheritance. Affected: yes.
Comment: A homozygous missense variant was identified, NM_001256047.1(C19orf12):c.161G>A in exon 3 of 3 of the C19orf12 gene. (NB: this variant is non-coding in alternative transcripts). This substitution is predicted to create a moderate amino acid change from a glycine to a glutamic acid at position 54 of the protein; NP_001242976.1(C19orf12):p.(Gly54Glu). The glycine at this position has very high conservation (100 vertebrates, UCSC), and is not situated in a known functional domain (NCBI, PDB). In silico software predicts this variant to be damaging (PolyPhen2, SIFT, CADD, Mutation Taster). The variant is present in the gnomAD population database at a frequency of 0.001% (3 heterozygotes, 0 homozygotes). This variant has been previously reported as pathogenic in several patients (ClinVar, Hartig, MB. et al. (2011), Hogarth, P. et al. (2013)). A different variant in the same codon resulting in a change to a valine has also been reported as pathogenic (ClinVar, Gregory, A. et al. (2019)). Based on information available at the time of curation, this variant has been classified as PATHOGENIC. Legend: (P) - Pathogenic, (N) - Neutral, (B) - Benign

Revvity Omics, Revvity
Classification: Pathogenic. Last evaluated: 2020-03-19. Review status: criteria provided, single submitter. Criteria: ACMG Guidelines, 2015. Collection method: clinical testing. Allele origin: germline.

Blueprint Genetics
Classification: Pathogenic for C19ORF12-related disorders. Last evaluated: 2019-12-06. Review status: criteria provided, single submitter. Criteria: ACMG Guidelines, 2015. Collection method: clinical testing. Allele origin: germline. Affected: yes. Observed: 2 variant alleles.

Aziz Sancar Institute of Experimental Medicine, Istanbul University
Classification: Pathogenic for Neurodegeneration with brain iron accumulation 4. Last evaluated: 2018-03-03. Review status: no assertion criteria provided. Collection method: clinical testing. Allele origin: germline. Inheritance: Autosomal recessive inheritance. Affected: yes. Observed: 1 homozygote. Not counted in ClinVar's aggregate classification.
Comment: This variant is associated with neurodegeneration with brain iron accumulation (spasticity, dystonia, optic atrophy).

Literature cited by the submitters: PubMed 21981780 (cited by 3 submitters); PubMed 23269600 (cited by Labcorp Genetics (formerly Invitae), Labcorp and Victorian Clinical Genetics Services, Murdoch Childrens Research Institute); PubMed 31087512 (cited by 3 submitters); PubMed 31804703 (cited by Women's Health and Genetics/Laboratory Corporation of America, LabCorp); PubMed 34284285 (cited by Women's Health and Genetics/Laboratory Corporation of America, LabCorp).